The following is an entry in ClinVar:

NM_177924.5(ASAH1):c.617G>A (p.Gly206Asp)

Gene: ASAH1 (N-acylsphingosine amidohydrolase 1; minus strand). Cytogenetic location: 8p22.
Variant type: single nucleotide variant.
Coding change: c.617G>A on transcript NM_177924.5 (MANE Select); coding-DNA position 617, G replaced by A.
Protein change: p.Gly206Asp; replaces glycine 206 with aspartic acid.
Molecular consequence: missense variant.
Genome position (GRCh38, 1-based): chr8:18,062,310, C>T on the plus strand (G>A on the coding strand, the complement: ASAH1 is on the minus strand). VCF-style: chr8-18062310-C-T. GRCh37 (hg19) VCF-style: chr8-17919819-C-T.
Other names: c.599G>A, p.Gly200Asp (NM_001127505.3); c.422G>A, p.Gly141Asp (NM_001363743.2); c.665G>A, p.Gly222Asp (NM_004315.6); short protein forms G222D, G141D, G200D, G206D.
Identifiers: ClinVar variation 2134409 (VCV002134409.4), dbSNP rs761612547, ClinGen allele CA4650768.

ClinVar aggregate classification (germline): Uncertain significance (1 of 4 stars; one submission).

Allele frequency attached by ClinVar (database versions not stated): gnomAD exomes below 0.00001; ExAC 0.00002.

Submission:

Labcorp Genetics (formerly Invitae), Labcorp
Classification: Uncertain significance. Last evaluated: 2022-05-05. Review status: criteria provided, single submitter. Criteria: Invitae Variant Classification Sherloc (09022015). Collection method: clinical testing. Allele origin: germline.
Comment: In summary, the available evidence is currently insufficient to determine the role of this variant in disease. Therefore, it has been classified as a Variant of Uncertain Significance. Algorithms developed to predict the effect of missense changes on protein structure and function (SIFT, PolyPhen-2, Align-GVGD) all suggest that this variant is likely to be disruptive. This variant has not been reported in the literature in individuals affected with ASAH1-related conditions. This variant is present in population databases (rs761612547, gnomAD 0.002%). This sequence change replaces glycine, which is neutral and non-polar, with aspartic acid, which is acidic and polar, at codon 206 of the ASAH1 protein (p.Gly206Asp).